The following is an entry in ClinVar:

NM_004859.4(CLTC):c.2407T>C (p.Tyr803His)

Gene: CLTC (clathrin heavy chain; plus strand). Cytogenetic location: 17q23.1.
Variant type: single nucleotide variant.
Coding change: c.2407T>C on transcript NM_004859.4 (MANE Select); coding-DNA position 2407, T replaced by C.
Protein change: p.Tyr803His; replaces tyrosine 803 with histidine.
Molecular consequence: missense variant.
Genome position (GRCh38, 1-based): chr17:59,673,761, T>C. VCF-style: chr17-59673761-T-C. GRCh37 (hg19) VCF-style: chr17-57751122-T-C.
Other names: c.2419T>C, p.Tyr807His (NM_001288653.2); short protein forms Y807H, Y803H.
Identifiers: ClinVar variation 4764453 (VCV004764453.1).
Genomic context (GRCh38, chr17:59,673,761, plus strand): 5'-TTTGTCCATGATTTGGTGCTCTATTTATATAGAAATAATCTTCAAAAGTATATAGAGATA[T>C]ATGTACAGAAGGTAAGTAATATGTAGGTAATGTAAAGGTATAATCTTACTATAGATTTTA-3'
Protein context (NP_004850.1, residues 793-813): RNNLQKYIEI[Tyr803His]VQKVNPSRLP

ClinVar aggregate classification (germline): Uncertain significance (1 of 4 stars; one submission).

Submission:

Labcorp Genetics (formerly Invitae), Labcorp
Classification: Uncertain significance. Last evaluated: 2025-04-14. Review status: criteria provided, single submitter. Criteria: Invitae Variant Classification Sherloc (09022015). Collection method: clinical testing. Allele origin: germline.
Comment: This sequence change replaces tyrosine, which is neutral and polar, with histidine, which is basic and polar, at codon 807 of the CLTC protein (p.Tyr807His). This variant is not present in population databases (gnomAD no frequency). This missense change has been observed in individual(s) with clinical features of CLTC-related conditions (internal data). Invitae Evidence Modeling of protein sequence and biophysical properties (such as structural, functional, and spatial information, amino acid conservation, physicochemical variation, residue mobility, and thermodynamic stability) indicates that this missense variant is expected to disrupt CLTC protein function with a positive predictive value of 80%. In summary, the available evidence is currently insufficient to determine the role of this variant in disease. Therefore, it has been classified as a Variant of Uncertain Significance.